The following is an entry in ClinVar:

ClinVar aggregate classification (germline): Pathogenic (1 of 4 stars; one submission).

Conditions:
Hereditary breast ovarian cancer syndrome. Also called: Breast and ovarian cancer; Hereditary breast and ovarian cancer; Hereditary breast and/or ovarian cancer syndrome; BRCA1- and BRCA2-Associated Hereditary Breast and Ovarian Cancer; Hereditary breast and ovarian cancer syndrome (HBOC); Hereditary breast and ovarian cancer syndrome. Identifiers: Orphanet 145, MedGen C0677776, MeSH D061325, MONDO:0003582. Disease mechanism: loss of function.

Submission:

Labcorp Genetics (formerly Invitae), Labcorp
Classification: Pathogenic for Hereditary breast ovarian cancer syndrome. Last evaluated: 2016-12-30. Review status: criteria provided, single submitter. Criteria: Invitae Variant Classification Sherloc (09022015). Collection method: clinical testing. Allele origin: germline.
Comment: This variant is a gross deletion of the genomic region encompassing exons 2-12 of the BRCA1 gene, which includes the initiator codon. The 5' end of this event is unknown as it extends beyond the assayed region for this gene and therefore may encompass additional genes. The 3' boundary is likely confined to intron 12 of the BRCA1 gene. This is expected to result in an absent or disrupted protein product. Loss-of-function variants in BRCA1 are known to be pathogenic (PMID: 20104584). Similar subgenic deletions encompassing at least exons 2-12 of the BRCA1 gene (also known as exons 2-13) have been reported in individuals affected with breast and/or ovarian cancer (PMID: 19894111, 23683081, 24686251, 18501021). For these reasons, this variant has been classified as Pathogenic.

NC_000017.11:g.(?_43082404)_(43124115_?)del

Genes: BRCA1 (BRCA1 DNA repair associated; minus strand), LOC110485084 (BRCA1 intronic recombination region; plus strand), LOC111589216 (BRCA1 intron 2 regulatory region; plus strand), LOC126862571 (BRD4-independent group 4 enhancer GRCh37_chr17:41243136-41244335; plus strand). Cytogenetic location: 17q21.31.
Variant type: Deletion.
Identifiers: ClinVar variation 417596 (VCV000417596.1).